The following is an entry in ClinVar:

NM_022114.4(PRDM16):c.863G>A (p.Arg288Gln)

Gene: PRDM16 (PR/SET domain 16; plus strand). Cytogenetic location: 1p36.32.
Variant type: single nucleotide variant.
Coding change: c.863G>A on transcript NM_022114.4 (MANE Select); coding-DNA position 863, G replaced by A.
Protein change: p.Arg288Gln; replaces arginine 288 with glutamine.
Molecular consequence: missense variant.
Genome position (GRCh38, 1-based): chr1:3,402,977, G>A. VCF-style: chr1-3402977-G-A. GRCh37 (hg19) VCF-style: chr1-3319541-G-A.
Other names: c.863G>A, p.Arg288Gln (NM_199454.3); short protein forms R288Q.
Identifiers: ClinVar variation 583112 (VCV000583112.10), dbSNP rs141374404, ClinGen allele CA543980.
Genomic context (GRCh38, chr1:3,402,977, plus strand): 5'-TCAAGCCCGAGGGCCTTGGCGGTGGCAGCGGCCAAGCCCACGAGTGCAAGGACTGCGAGC[G>A]GATGTTCCCCAACAAGTACAGGTGCCACGCCCTCCTCTGAGTCTTCCTCCCCTTCCCGTA-3'
Protein context (NP_071397.3, residues 278-298): GQAHECKDCE[Arg288Gln]MFPNKYSLEQ

ClinVar aggregate classification (germline): Uncertain significance. Review status: criteria provided, multiple submitters, no conflicts (2 of 4 stars). 2 submissions from 2 submitters: Uncertain significance (2). Last evaluated 2025-01-29.

Conditions:
Left ventricular noncompaction 8 (LVNC8). Identifiers: Orphanet 154, Orphanet 54260, MedGen C3809288, MONDO:0014152, OMIM 615373.

Allele frequency attached by ClinVar (database versions not stated): TOPMed 0.00005; gnomAD 0.00006; 1000 Genomes Project 30x 0.00016; 1000 Genomes Project 0.00020.
gnomAD v4.1: 31 of 1,609,472 alleles (0.0019%); highest among the groups gnomAD compares: Middle Eastern, 0.017%; no homozygotes.

Submissions (2):

Labcorp Genetics (formerly Invitae), Labcorp
Classification: Uncertain significance for Left ventricular noncompaction 8. Last evaluated: 2025-01-29. Review status: criteria provided, single submitter. Criteria: Invitae Variant Classification Sherloc (09022015). Collection method: clinical testing. Allele origin: germline.
Comment: This sequence change replaces arginine, which is basic and polar, with glutamine, which is neutral and polar, at codon 288 of the PRDM16 protein (p.Arg288Gln). This variant is present in population databases (rs141374404, gnomAD 0.02%). This variant has not been reported in the literature in individuals affected with PRDM16-related conditions. ClinVar contains an entry for this variant (Variation ID: 583112). An algorithm developed to predict the effect of missense changes on protein structure and function (PolyPhen-2) suggests that this variant is likely to be tolerated. In summary, the available evidence is currently insufficient to determine the role of this variant in disease. Therefore, it has been classified as a Variant of Uncertain Significance.

GeneDx
Classification: Uncertain significance. Last evaluated: 2022-04-08. Review status: criteria provided, single submitter. Criteria: GeneDx Variant Classification Process June 2021. Collection method: clinical testing. Allele origin: germline. Affected: yes.
Comment: Has not been previously published as pathogenic or benign to our knowledge; In silico analysis supports that this missense variant does not alter protein structure/function